The following is an entry in ClinVar:

ClinVar aggregate classification (germline): Uncertain significance (1 of 4 stars; one submission).

Conditions:
Ataxia-telangiectasia syndrome (AT). Also called: ATAXIA-TELANGIECTASIA, COMPLEMENTATION GROUP A; ATAXIA-TELANGIECTASIA, FRESNO VARIANT; Ataxia-telangiectasia; Ataxia-telangiectasia, complementation group E; Ataxia telangiectasia (A-T); LOUIS-BAR SYNDROME. Identifiers: Orphanet 100, MedGen C0004135, MONDO:0008840, OMIM 208900.

Submission:

Labcorp Genetics (formerly Invitae), Labcorp
Classification: Uncertain significance for Ataxia-telangiectasia syndrome. Last evaluated: 2024-11-04. Review status: criteria provided, single submitter. Criteria: Invitae Variant Classification Sherloc (09022015). Collection method: clinical testing. Allele origin: germline.
Comment: This sequence change replaces valine, which is neutral and non-polar, with glutamic acid, which is acidic and polar, at codon 1841 of the ATM protein (p.Val1841Glu). This variant is not present in population databases (gnomAD no frequency). This variant has not been reported in the literature in individuals affected with ATM-related conditions. Invitae Evidence Modeling of protein sequence and biophysical properties (such as structural, functional, and spatial information, amino acid conservation, physicochemical variation, residue mobility, and thermodynamic stability) has been performed for this missense variant. However, the output from this modeling did not meet the statistical confidence thresholds required to predict the impact of this variant on ATM protein function. In summary, the available evidence is currently insufficient to determine the role of this variant in disease. Therefore, it has been classified as a Variant of Uncertain Significance.

NM_000051.4(ATM):c.5522T>A (p.Val1841Glu)

Gene: ATM (ATM serine/threonine kinase; plus strand). Cytogenetic location: 11q22.3.
Variant type: single nucleotide variant.
Coding change: c.5522T>A on transcript NM_000051.4 (MANE Select); coding-DNA position 5522, T replaced by A.
Protein change: p.Val1841Glu; replaces valine 1841 with glutamic acid.
Molecular consequence: missense variant.
Genome position (GRCh38, 1-based): chr11:108,304,700, T>A. VCF-style: chr11-108304700-T-A. GRCh37 (hg19) VCF-style: chr11-108175427-T-A.
Other names: c.5522T>A, p.Val1841Glu (NM_001351834.2); short protein forms V1841E.
Identifiers: ClinVar variation 3720462 (VCV003720462.2).